The following is an entry in ClinVar:

ClinVar aggregate classification (germline): Likely benign. Review status: criteria provided, multiple submitters, no conflicts (2 of 4 stars). 3 submissions from 3 submitters: Likely benign (2). 1 of the submissions does not count toward it. Last evaluated 2025-03-17.

Conditions:
NLRP1-related disorder. Also called: NLRP1-related condition.

Allele frequency attached by ClinVar (database versions not stated): gnomAD exomes 0.00014; ExAC 0.00016; gnomAD 0.00033 and 0.00036; TOPMed 0.00042; 1000 Genomes Project 30x 0.00047; 1000 Genomes Project 0.00060; ESP Exome Variant Server 0.00085.

Submissions (3):

Labcorp Genetics (formerly Invitae), Labcorp
Classification: Likely benign. Last evaluated: 2025-03-17. Review status: criteria provided, single submitter. Criteria: Invitae Variant Classification Sherloc (09022015). Collection method: clinical testing. Allele origin: germline.

Blueprint Genetics
Classification: Likely benign. Last evaluated: 2024-06-26. Review status: criteria provided, single submitter. Criteria: ACMG Guidelines, 2015. Collection method: clinical testing. Allele origin: germline.

PreventionGenetics, part of Exact Sciences
Classification: Likely benign for NLRP1-related condition. Last evaluated: 2019-05-30. Review status: no assertion criteria provided. Collection method: clinical testing. Allele origin: germline. Not counted in ClinVar's aggregate classification.
Comment: This variant is classified as likely benign based on ACMG/AMP sequence variant interpretation guidelines (Richards et al. 2015 PMID: 25741868, with internal and published modifications).

NM_033004.4(NLRP1):c.1977A>G (p.Ala659=)

Gene: NLRP1 (NLR family pyrin domain containing 1; minus strand). Cytogenetic location: 17p13.2.
Variant type: single nucleotide variant.
Coding change: c.1977A>G on transcript NM_033004.4 (MANE Select); coding-DNA position 1977, A replaced by G.
Protein change: p.Ala659=; no amino-acid change (alanine 659 retained).
Molecular consequence: synonymous variant.
Genome position (GRCh38, 1-based): chr17:5,558,719, T>C on the plus strand (A>G on the coding strand, the complement: NLRP1 is on the minus strand). VCF-style: chr17-5558719-T-C. GRCh37 (hg19) VCF-style: chr17-5462039-T-C.
Other names: c.1977A>G, p.Ala659= (NM_001033053.3, NM_014922.5, NM_033006.4 and 1 more transcripts).
Identifiers: ClinVar variation 730065 (VCV000730065.12), dbSNP rs146736101, ClinGen allele CA8327291.
Genomic context (GRCh38, chr17:5,558,719, plus strand): 5'-ACTTAACAGGCCCAATAGGAAACGTGTGGTTGATGCCCCAAACAGGCCATGTATTCCATA[T>C]GCTTCTAGCGTCTTTTCCAAATCTATGATGCAATTAGAATGTTTACCTCTCCCCTTCTCA-3'
Protein context (NP_127497.1, residues 649-669): CIIDLEKTLE[Ala659=]YGIHGLFGAS